The following is an entry in ClinVar:

ClinVar aggregate classification (germline): Pathogenic/Likely pathogenic. Review status: criteria provided, multiple submitters, no conflicts (2 of 4 stars). 3 submissions from 3 submitters: Pathogenic (2); Likely pathogenic (1). Last evaluated 2026-07-21.

Conditions:
Catecholaminergic polymorphic ventricular tachycardia 1. Also called: VENTRICULAR TACHYCARDIA, CATECHOLAMINERGIC POLYMORPHIC, 1, WITH OR WITHOUT ATRIAL DYSFUNCTION AND/OR DILATED CARDIOMYOPATHY; RYR2-Related Catecholaminergic Polymorphic Ventricular Tachycardia; VENTRICULAR TACHYCARDIA, STRESS-INDUCED POLYMORPHIC 1. Identifiers: Orphanet 3286, MedGen C1631597, MONDO:0011484, OMIM 604772.
RYR2-related disorder. Also called: RYR2-related condition.

Allele frequency attached by ClinVar (database versions not stated): gnomAD exomes below 0.00001; ExAC 0.00001.
gnomAD v4.1: 3 of 1,613,654 alleles (0.00019%); highest among the groups gnomAD compares: Non-Finnish European, 0.00017%; no homozygotes.

Submissions (3):

Victorian Clinical Genetics Services, Murdoch Childrens Research Institute
Classification: Pathogenic for Catecholaminergic polymorphic ventricular tachycardia 1. Last evaluated: 2026-07-21. Review status: criteria provided, single submitter. Criteria: ACMG Guidelines, 2015. Collection method: clinical testing. Allele origin: germline. Affected: yes.
Comment: This variant is classified as Pathogenic. Evidence in support of pathogenic classification: This variant is present in gnomAD <0.001 for a dominant condition (v4: 3 heterozygote(s), 0 homozygote(s)); This variant has strong previous evidence of pathogenicity in unrelated individuals. This variant has been classified as pathogenic by a clinical laboratory in ClinVar and reported in many individuals with CPTV, arrhythmias, or sudden death in the literature (PMIDs: 12106942, 21954897, 22677073, 27251404, 29434162, 29453246, 35353122); Variant is located in a hotspot region or cluster of pathogenic variants (DECIPHER, PMID: 19926015); Missense variant predicted to be damaging by in silico tool(s) and/or highly conserved with a major amino acid change. Additional information: This variant is predicted to result in a missense amino acid change from Tyr to Cys; This variant is heterozygous; This gene is associated with autosomal dominant disease; Functional evidence for this variant is conflicting. Functional studies in yeast constructs indicated that this variant decreased binding affinity to the gating protein FKBP12.6, leading to disrupted channel-gating and increased calcium release (PMID: 12459180). However, other variants from this study have been tested in other studies with results showing a different effect or no effect on FKBP12.6 binding (PMID: 16239587); Dominant negative and gain of function are known mechanisms of disease in this gene and are associated with catecholaminergic polymorphic ventricular tachycardia 1 (MIM#604772) and left ventricular non-compaction (PMIDs: 12459180, 27646203, 29477366, 31875585, 33500567). Loss of function has been reported for ventricular arrhythmias due to cardiac ryanodine receptor calcium release deficiency syndrome (MIM#115000); however, a dominant negative mechanism has not been excluded (PMID: 33536282); The condition associated with this gene has incomplete penetrance. Penetrance for CPVT is estimated to be 60-70% (PMID: 23549275); Inheritance information for this variant is not currently available in this individual.

Labcorp Genetics (formerly Invitae), Labcorp
Classification: Pathogenic for Catecholaminergic polymorphic ventricular tachycardia 1. Last evaluated: 2026-01-18. Review status: criteria provided, single submitter. Criteria: Invitae Variant Classification Sherloc (09022015). Collection method: clinical testing. Allele origin: germline.
Comment: This sequence change replaces tyrosine, which is neutral and polar, with cysteine, which is neutral and slightly polar, at codon 2392 of the RYR2 protein (p.Tyr2392Cys). This variant is present in population databases (rs772220753, gnomAD 0.0009%). This missense change has been observed in individuals with clinical features of autosomal dominant catecholaminergic polymorphic ventricular tachycardia (PMID: 12106942, 29434162, 29453246; internal data). ClinVar contains an entry for this variant (Variation ID: 1805845). Invitae Evidence Modeling of protein sequence and biophysical properties (such as structural, functional, and spatial information, amino acid conservation, physicochemical variation, residue mobility, and thermodynamic stability) indicates that this missense variant is expected to disrupt RYR2 protein function with a positive predictive value of 95%. Experimental studies have shown that this missense change affects RYR2 function (PMID: 12459180). For these reasons, this variant has been classified as Pathogenic.

Blueprint Genetics
Classification: Likely pathogenic for RYR2-related disorders. Last evaluated: 2021-09-30. Review status: criteria provided, single submitter. Criteria: ACMG Guidelines, 2015. Collection method: clinical testing. Allele origin: germline. Affected: yes. Observed: 1 variant allele.

Literature cited by the submitters: PubMed 35353122 (cited by Victorian Clinical Genetics Services, Murdoch Childrens Research Institute); PubMed 29477366 (cited by Victorian Clinical Genetics Services, Murdoch Childrens Research Institute); PubMed 12106942 (cited by Victorian Clinical Genetics Services, Murdoch Childrens Research Institute and Labcorp Genetics (formerly Invitae), Labcorp); PubMed 22677073 (cited by Victorian Clinical Genetics Services, Murdoch Childrens Research Institute); PubMed 23549275 (cited by Victorian Clinical Genetics Services, Murdoch Childrens Research Institute); PubMed 29453246 (cited by Victorian Clinical Genetics Services, Murdoch Childrens Research Institute and Labcorp Genetics (formerly Invitae), Labcorp); PubMed 12459180 (cited by Victorian Clinical Genetics Services, Murdoch Childrens Research Institute and Labcorp Genetics (formerly Invitae), Labcorp); PubMed 16239587 (cited by Victorian Clinical Genetics Services, Murdoch Childrens Research Institute); PubMed 27646203 (cited by Victorian Clinical Genetics Services, Murdoch Childrens Research Institute); PubMed 31875585 (cited by Victorian Clinical Genetics Services, Murdoch Childrens Research Institute); PubMed 29434162 (cited by Victorian Clinical Genetics Services, Murdoch Childrens Research Institute and Labcorp Genetics (formerly Invitae), Labcorp); PubMed 19926015 (cited by Victorian Clinical Genetics Services, Murdoch Childrens Research Institute); PubMed 33500567 (cited by Victorian Clinical Genetics Services, Murdoch Childrens Research Institute); PubMed 21954897 (cited by Victorian Clinical Genetics Services, Murdoch Childrens Research Institute); PubMed 27251404 (cited by Victorian Clinical Genetics Services, Murdoch Childrens Research Institute); PubMed 33536282 (cited by Victorian Clinical Genetics Services, Murdoch Childrens Research Institute).

NM_001035.3(RYR2):c.7175A>G (p.Tyr2392Cys)

Gene: RYR2 (ryanodine receptor 2; plus strand). Cytogenetic location: 1q43.
Variant type: single nucleotide variant.
Coding change: c.7175A>G on transcript NM_001035.3 (MANE Select); coding-DNA position 7175, A replaced by G.
Protein change: p.Tyr2392Cys; replaces tyrosine 2392 with cysteine.
Molecular consequence: missense variant.
Genome position (GRCh38, 1-based): chr1:237,640,956, A>G. VCF-style: chr1-237640956-A-G. GRCh37 (hg19) VCF-style: chr1-237804256-A-G.
Other names: short protein forms Y2392C.
Identifiers: ClinVar variation 1805845 (VCV001805845.6), dbSNP rs772220753, ClinGen allele CA087314.
Genomic context (GRCh38, chr1:237,640,956, plus strand): 5'-GTGACACAGAGGAGGAGGAAGATGACACTATCCACATGGGGAACGCGATCATGACCTTCT[A>G]TTCAGCTTTGATTGACCTCTTGGGACGCTGTGCTCCTGAGATGCATGTGAGTTTCTGGGA-3'
Protein context (NP_001026.2, residues 2382-2402): IHMGNAIMTF[Tyr2392Cys]SALIDLLGRC